The following is an entry in ClinVar:

NM_020247.5(COQ8A):c.1085C>T (p.Pro362Leu)

Gene: COQ8A (coenzyme Q8A; plus strand). Cytogenetic location: 1q42.13.
Variant type: single nucleotide variant.
Coding change: c.1085C>T on transcript NM_020247.5 (MANE Select); coding-DNA position 1085, C replaced by T.
Protein change: p.Pro362Leu; replaces proline 362 with leucine.
Molecular consequence: missense variant.
Genome position (GRCh38, 1-based): chr1:226,983,556, C>T. VCF-style: chr1-226983556-C-T. GRCh37 (hg19) VCF-style: chr1-227171257-C-T.
Other names: short protein forms P362L.
Identifiers: ClinVar variation 1955617 (VCV001955617.5), dbSNP rs772046217, ClinGen allele CA1425303.
Genomic context (GRCh38, chr1:226,983,556, plus strand): 5'-GCAGGGCCCACCCGTCTCCCTGGGCTAACTCCCCTGCCTCACCCATACCCCCACAGTACC[C>T]TGGCGTGGCCCAGAGCATCAACAGTGATGTCAACAACCTCATGGCCGTGTTGAACATGAG-3'
Protein context (NP_064632.2, residues 352-372): GREVAMKIQY[Pro362Leu]GVAQSINSDV

ClinVar aggregate classification (germline): Uncertain significance (1 of 4 stars; one submission).

Allele frequency attached by ClinVar (database versions not stated): ExAC 0.00001.
gnomAD v4.1: 1 of 1,613,876 alleles (0.000062%); highest among the groups gnomAD compares: Non-Finnish European, 0.000085%; no homozygotes.

Submission:

Labcorp Genetics (formerly Invitae), Labcorp
Classification: Uncertain significance. Last evaluated: 2022-06-26. Review status: criteria provided, single submitter. Criteria: Invitae Variant Classification Sherloc (09022015). Collection method: clinical testing. Allele origin: germline.
Comment: This sequence change replaces proline, which is neutral and non-polar, with leucine, which is neutral and non-polar, at codon 362 of the COQ8A protein (p.Pro362Leu). This variant is present in population databases (rs772046217, gnomAD 0.0009%). This variant has not been reported in the literature in individuals affected with COQ8A-related conditions. Advanced modeling of protein sequence and biophysical properties (such as structural, functional, and spatial information, amino acid conservation, physicochemical variation, residue mobility, and thermodynamic stability) performed at Invitae indicates that this missense variant is expected to disrupt COQ8A protein function. In summary, the available evidence is currently insufficient to determine the role of this variant in disease. Therefore, it has been classified as a Variant of Uncertain Significance.